The following is an entry in ClinVar:

ClinVar aggregate classification (germline): Uncertain significance (1 of 4 stars; one submission).

gnomAD v4.1: 3 of 1,614,060 alleles (0.00019%); highest among the groups gnomAD compares: South Asian, 0.0022%; no homozygotes.

Submission:

GeneDx
Classification: Uncertain significance. Last evaluated: 2026-02-03. Review status: criteria provided, single submitter. Criteria: GeneDx Variant Classification Process June 2021. Collection method: clinical testing. Allele origin: germline.
Comment: Not observed at significant frequency in large population cohorts (gnomAD); In silico analysis suggests that this missense variant does not alter protein structure/function; Has not been previously published as pathogenic or benign to our knowledge

NM_001257180.2(SLC20A2):c.1132C>T (p.Arg378Trp)

Gene: SLC20A2 (solute carrier family 20 member 2; minus strand). Cytogenetic location: 8p11.21.
Variant type: single nucleotide variant.
Coding change: c.1132C>T on transcript NM_001257180.2 (MANE Select); coding-DNA position 1132, C replaced by T.
Protein change: p.Arg378Trp; replaces arginine 378 with tryptophan.
Molecular consequence: missense variant.
Genome position (GRCh38, 1-based): chr8:42,437,380, G>A on the plus strand (C>T on the coding strand, the complement: SLC20A2 is on the minus strand). VCF-style: chr8-42437380-G-A. GRCh37 (hg19) VCF-style: chr8-42294898-G-A.
Other names: c.1132C>T, p.Arg378Trp (NM_001257181.2, NM_006749.5); short protein forms R378W.
Identifiers: ClinVar variation 4975550 (VCV004975550.1).
Genomic context (GRCh38, chr8:42,437,380, plus strand): 5'-CTGGCAGCCCACAAATGGCTGCGGTGTAGCAGGTGTAACTGTTGTTTCGGCGCAGCAGCC[G>A]GTAGTTGCTTTCCTGGGCTGGCTTCTCCTCGGGGCCCCTGTCGATGTGGATTTTGTGCAG-3'
Protein context (NP_001244109.1, residues 368-388): EEKPAQESNY[Arg378Trp]LLRRNNSYTC